The following is an entry in ClinVar:

NM_001845.6(COL4A1):c.4621A>G (p.Ile1541Val)

Gene: COL4A1 (collagen type IV alpha 1 chain; minus strand). Cytogenetic location: 13q34.
Variant type: single nucleotide variant.
Coding change: c.4621A>G on transcript NM_001845.6 (MANE Select); coding-DNA position 4621, A replaced by G.
Protein change: p.Ile1541Val; replaces isoleucine 1541 with valine.
Molecular consequence: missense variant.
Genome position (GRCh38, 1-based): chr13:110,161,211, T>C on the plus strand (A>G on the coding strand, the complement: COL4A1 is on the minus strand). VCF-style: chr13-110161211-T-C. GRCh37 (hg19) VCF-style: chr13-110813558-T-C.
Other names: short protein forms I1541V.
Identifiers: ClinVar variation 2146274 (VCV002146274.4), dbSNP rs1196846493, ClinGen allele CA388657022.

ClinVar aggregate classification (germline): Uncertain significance (1 of 4 stars; one submission).

Allele frequency attached by ClinVar (database versions not stated): gnomAD exomes 0.00001; gnomAD 0.00004; TOPMed 0.00004.
gnomAD v4.1: 16 of 1,614,118 alleles (0.00099%); highest among the groups gnomAD compares: Admixed American, 0.0017%; no homozygotes.

Submission:

Labcorp Genetics (formerly Invitae), Labcorp
Classification: Uncertain significance. Last evaluated: 2025-06-19. Review status: criteria provided, single submitter. Criteria: Invitae Variant Classification Sherloc (09022015). Collection method: clinical testing. Allele origin: germline.
Comment: This sequence change replaces isoleucine, which is neutral and non-polar, with valine, which is neutral and non-polar, at codon 1541 of the COL4A1 protein (p.Ile1541Val). This variant is present in population databases (no rsID available, gnomAD 0.003%). This variant has not been reported in the literature in individuals affected with COL4A1-related conditions. ClinVar contains an entry for this variant (Variation ID: 2146274). Invitae Evidence Modeling of protein sequence and biophysical properties (such as structural, functional, and spatial information, amino acid conservation, physicochemical variation, residue mobility, and thermodynamic stability) indicates that this missense variant is not expected to disrupt COL4A1 protein function with a negative predictive value of 95%. Algorithms developed to predict the effect of sequence changes on RNA splicing suggest that this variant may create or strengthen a splice site. In summary, the available evidence is currently insufficient to determine the role of this variant in disease. Therefore, it has been classified as a Variant of Uncertain Significance.